The following is an entry in ClinVar:

NM_004535.3(MYT1):c.3057G>A (p.Ser1019=)

Gene: MYT1 (myelin transcription factor 1; plus strand). Cytogenetic location: 20q13.33.
Variant type: single nucleotide variant.
Coding change: c.3057G>A on transcript NM_004535.3 (MANE Select); coding-DNA position 3057, G replaced by A.
Protein change: p.Ser1019=; no amino-acid change (serine 1019 retained).
Molecular consequence: synonymous variant.
Genome position (GRCh38, 1-based): chr20:64,237,354, G>A. VCF-style: chr20-64237354-G-A. GRCh37 (hg19) VCF-style: chr20-62868707-G-A.
Identifiers: ClinVar variation 3040051 (VCV003040051.2), dbSNP rs765299378, ClinGen allele CA9975411.

ClinVar aggregate classification (germline): Likely benign (0 of 4 stars; one submission).

Conditions:
MYT1-related disorder. Also called: MYT1-related condition.

Allele frequency attached by ClinVar (database versions not stated): ExAC 0.00001; TOPMed 0.00002; gnomAD 0.00004.
gnomAD v4.1: 12 of 1,609,098 alleles (0.00075%); highest among the groups gnomAD compares: African/African-American, 0.004%; no homozygotes.

Submission:

PreventionGenetics, part of Exact Sciences
Classification: Likely benign for MYT1-related condition. Last evaluated: 2019-09-20. Review status: no assertion criteria provided. Collection method: clinical testing. Allele origin: germline.
Comment: This variant is classified as likely benign based on ACMG/AMP sequence variant interpretation guidelines (Richards et al. 2015 PMID: 25741868, with internal and published modifications).